The following is an entry in ClinVar:

NM_015338.6(ASXL1):c.2940T>G (p.Ile980Met)

Gene: ASXL1 (ASXL transcriptional regulator 1; plus strand). Cytogenetic location: 20q11.21.
Variant type: single nucleotide variant.
Coding change: c.2940T>G on transcript NM_015338.6 (MANE Select); coding-DNA position 2940, T replaced by G.
Protein change: p.Ile980Met; replaces isoleucine 980 with methionine.
Molecular consequence: missense variant.
Genome position (GRCh38, 1-based): chr20:32,435,652, T>G. VCF-style: chr20-32435652-T-G. GRCh37 (hg19) VCF-style: chr20-31023455-T-G.
Other names: c.2757T>G, p.Ile919Met (NM_001363734.1); short protein forms I980M, I919M.
Identifiers: ClinVar variation 3956192 (VCV003956192.1).
Genomic context (GRCh38, chr20:32,435,652, plus strand): 5'-GACTGTGCCATCTCGAGGAGGCAGTGACAGCAATGGCAGTTACTGTCAACAGGTGGACAT[T>G]GAAAAGCTGAAAATCAACGGAGACTCTGAAGCACTGAGTCCTCACGGTGAGTCCACGGAT-3'
Protein context (NP_056153.2, residues 970-990): SNGSYCQQVD[Ile980Met]EKLKINGDSE

ClinVar aggregate classification (germline): Uncertain significance (1 of 4 stars; one submission).

Conditions:
Inborn genetic diseases. Identifiers: MedGen C0950123, MeSH D030342.

Submission:

Ambry Genetics
Classification: Uncertain significance for Inborn genetic diseases. Last evaluated: 2025-04-17. Review status: criteria provided, single submitter. Criteria: Ambry Variant Classification Scheme 2023. Collection method: clinical testing. Allele origin: germline.
Comment: The p.I980M variant (also known as c.2940T>G), located in coding exon 13 of the ASXL1 gene, results from a T to G substitution at nucleotide position 2940. The isoleucine at codon 980 is replaced by methionine, an amino acid with highly similar properties. This amino acid position is conserved. In addition, this alteration is predicted to be tolerated by in silico analysis. Based on the available evidence, the clinical significance of this variant remains unclear.